The following is an entry in ClinVar:

ClinVar aggregate classification (germline): Uncertain significance (1 of 4 stars; one submission).

Allele frequency attached by ClinVar (database versions not stated): gnomAD exomes below 0.00001.
gnomAD v4.1: 1 of 1,613,954 alleles (0.000062%); highest among the groups gnomAD compares: Non-Finnish European, 0.000085%; no homozygotes.

Submission:

Labcorp Genetics (formerly Invitae), Labcorp
Classification: Uncertain significance. Last evaluated: 2021-02-18. Review status: criteria provided, single submitter. Criteria: Invitae Variant Classification Sherloc (09022015). Collection method: clinical testing. Allele origin: germline.
Comment: Experimental studies and prediction algorithms are not available or were not evaluated, and the functional significance of this variant is currently unknown. In summary, the available evidence is currently insufficient to determine the role of this variant in disease. Therefore, it has been classified as a Variant of Uncertain Significance. This variant has not been reported in the literature in individuals with HTT-related conditions. This variant is not present in population databases (ExAC no frequency). This sequence change replaces cysteine with arginine at codon 2528 of the HTT protein (p.Cys2528Arg). The cysteine residue is moderately conserved and there is a large physicochemical difference between cysteine and arginine.

NM_001388492.1(HTT):c.7576T>C (p.Cys2526Arg)

Gene: HTT (huntingtin; plus strand). Cytogenetic location: 4p16.3.
Variant type: single nucleotide variant.
Coding change: c.7576T>C on transcript NM_001388492.1 (MANE Select); coding-DNA position 7576, T replaced by C.
Protein change: p.Cys2526Arg; replaces cysteine 2526 with arginine.
Molecular consequence: missense variant.
Genome position (GRCh38, 1-based): chr4:3,223,511, T>C. VCF-style: chr4-3223511-T-C. GRCh37 (hg19) VCF-style: chr4-3225238-T-C.
Other names: c.7582T>C, p.Cys2528Arg (NM_002111.8); short protein forms C2528R, C2526R.
Identifiers: ClinVar variation 1410491 (VCV001410491.6), dbSNP rs2110288989, ClinGen allele CA356097710.
Genomic context (GRCh38, chr4:3,223,511, plus strand): 5'-ATCACCTCACTGGTGCTCAGTGCAATGACTGTGCCTGTGGCCGGCAACCCAGCTGTAAGC[T>C]GCTTGGAGCAGCAGCCCCGGAACAAGCCTCTGAAAGCTCTCGACACCAGGTTTGCTTGAG-3'
Protein context (NP_001375421.1, residues 2516-2536): VPVAGNPAVS[Cys2526Arg]LEQQPRNKPL